The following is an entry in ClinVar:

ClinVar aggregate classification (germline): Uncertain significance (1 of 4 stars; one submission).

Conditions:
Mosaic variegated aneuploidy syndrome 2 (MVA2). Identifiers: Orphanet 1052, MedGen C3279843, MONDO:0013582, OMIM 614114.

gnomAD v4.1: 5 of 1,613,932 alleles (0.00031%); highest among the groups gnomAD compares: Non-Finnish European, 0.00042%; no homozygotes.

Submission:

Labcorp Genetics (formerly Invitae), Labcorp
Classification: Uncertain significance for Mosaic variegated aneuploidy syndrome 2. Last evaluated: 2024-10-10. Review status: criteria provided, single submitter. Criteria: Invitae Variant Classification Sherloc (09022015). Collection method: clinical testing. Allele origin: germline.
Comment: This sequence change falls in intron 1 of the CEP57 gene. It does not directly change the encoded amino acid sequence of the CEP57 protein. It affects a nucleotide within the consensus splice site. This variant is present in population databases (rs745842389, gnomAD 0.002%). This variant has not been reported in the literature in individuals affected with CEP57-related conditions. Variants that disrupt the consensus splice site are a relatively common cause of aberrant splicing (PMID: 17576681, 9536098). Algorithms developed to predict the effect of sequence changes on RNA splicing suggest that this variant may disrupt the consensus splice site. In summary, the available evidence is currently insufficient to determine the role of this variant in disease. Therefore, it has been classified as a Variant of Uncertain Significance.

Literature cited by the submitters: PubMed 17576681; PubMed 9536098.

NM_014679.5(CEP57):c.45+4A>G

Genes: CEP57 (centrosomal protein 57; plus strand), LOC130006618 (ATAC-STARR-seq lymphoblastoid active region 5417; plus strand). Cytogenetic location: 11q21.
Variant type: single nucleotide variant.
Coding change: c.45+4A>G on transcript NM_014679.5 (MANE Select); 4 bases into the intron after coding-DNA position 45, A replaced by G.
Molecular consequence: intron variant.
Genome position (GRCh38, 1-based): chr11:95,790,747, A>G. VCF-style: chr11-95790747-A-G. GRCh37 (hg19) VCF-style: chr11-95523911-A-G.
Other names: c.-350+4A>G (NM_001363604.2); c.-27+4A>G (NM_001243776.2); c.45+4A>G (NM_001243777.2).
Identifiers: ClinVar variation 3665457 (VCV003665457.2).
Genomic context (GRCh38, chr11:95,790,747, plus strand): 5'-GCAGGCTGAAAGATGGCGGCGGCGTCTGTCTCTGCGGCTTCTGGTTCTCACTTGTCGGTA[A>G]GAAGCAGTTGGCGCGAGTGGGCCCCACGTCGGCCCTAAGCGCCTCTTTGAGTTTCCTCAC-3'